The following is an entry in ClinVar:

NM_000642.3(AGL):c.4382C>G (p.Ala1461Gly)

Gene: AGL (amylo-alpha-1,6-glucosidase and 4-alpha-glucanotransferase; plus strand). Cytogenetic location: 1p21.2.
Variant type: single nucleotide variant.
Coding change: c.4382C>G on transcript NM_000642.3 (MANE Select); coding-DNA position 4382, C replaced by G.
Protein change: p.Ala1461Gly; replaces alanine 1461 with glycine.
Molecular consequence: missense variant.
Genome position (GRCh38, 1-based): chr1:99,916,632, C>G. VCF-style: chr1-99916632-C-G. GRCh37 (hg19) VCF-style: chr1-100382188-C-G.
Other names: c.4382C>G, p.Ala1461Gly (NM_000028.3, NM_000643.3, NM_000644.3 and 1 more transcripts); c.4334C>G, p.Ala1445Gly (NM_000646.3); c.4361C>G, p.Ala1454Gly (NM_001425326.1); c.4181C>G, p.Ala1394Gly (NM_001425327.1); c.4178C>G, p.Ala1393Gly (NM_001425328.1); c.4043C>G, p.Ala1348Gly (NM_001425329.1); c.4004C>G, p.Ala1335Gly (NM_001425332.1); short protein forms A1445G, A1461G, A1335G, A1348G, A1393G, A1394G, A1454G.
Identifiers: ClinVar variation 655500 (VCV000655500.6), dbSNP rs749209422, ClinGen allele CA967432.

ClinVar aggregate classification (germline): Uncertain significance (1 of 4 stars; one submission).

Conditions:
Glycogen storage disease type III (GSD3). Also called: Cori disease; FORBES DISEASE. Identifiers: Orphanet 366, MedGen C0017922, MONDO:0009291, OMIM 232400.

Allele frequency attached by ClinVar (database versions not stated): gnomAD exomes 0.00001 and 0.00002; ExAC 0.00003.
gnomAD v4.1: 5 of 1,613,050 alleles (0.00031%); no homozygotes.

Submission:

Labcorp Genetics (formerly Invitae), Labcorp
Classification: Uncertain significance for Glycogen storage disease type III. Last evaluated: 2018-07-17. Review status: criteria provided, single submitter. Criteria: Invitae Variant Classification Sherloc (09022015). Collection method: clinical testing. Allele origin: germline.
Comment: This sequence change replaces alanine with glycine at codon 1461 of the AGL protein (p.Ala1461Gly). The alanine residue is highly conserved and there is a small physicochemical difference between alanine and glycine. This variant is present in population databases (rs749209422, ExAC 0.03%). This variant has not been reported in the literature in individuals with AGL-related disease. Algorithms developed to predict the effect of missense changes on protein structure and function (SIFT, PolyPhen-2, Align-GVGD) all suggest that this variant is likely to be disruptive, but these predictions have not been confirmed by published functional studies and their clinical significance is uncertain. In summary, the available evidence is currently insufficient to determine the role of this variant in disease. Therefore, it has been classified as a Variant of Uncertain Significance.